The following is an entry in ClinVar:

ClinVar aggregate classification (germline): Likely benign. Review status: criteria provided, multiple submitters, no conflicts (2 of 4 stars). 3 submissions from 3 submitters: Likely benign (2). 1 of the submissions does not count toward it. Last evaluated 2024-08-05.

Conditions:
Primary ciliary dyskinesia. Also called: Ciliary dyskinesia. Identifiers: Orphanet 244, MedGen C0008780, MONDO:0016575, HP:0012265.
DNAAF5-related disorder. Also called: DNAAF5-related condition.

Allele frequency attached by ClinVar (database versions not stated): ExAC 0.00002; gnomAD exomes 0.00002; ESP Exome Variant Server 0.00008.

Submissions (3):

Labcorp Genetics (formerly Invitae), Labcorp
Classification: Likely benign for Primary ciliary dyskinesia. Last evaluated: 2024-08-05. Review status: criteria provided, single submitter. Criteria: Invitae Variant Classification Sherloc (09022015). Collection method: clinical testing. Allele origin: germline.

Ambry Genetics
Classification: Likely benign for Primary ciliary dyskinesia. Last evaluated: 2017-09-15. Review status: criteria provided, single submitter. Criteria: Ambry Variant Classification Scheme 2023. Collection method: clinical testing. Allele origin: germline.

PreventionGenetics, part of Exact Sciences
Classification: Likely benign for DNAAF5-related condition. Last evaluated: 2024-03-24. Review status: no assertion criteria provided. Collection method: clinical testing. Allele origin: germline. Not counted in ClinVar's aggregate classification.
Comment: This variant is classified as likely benign based on ACMG/AMP sequence variant interpretation guidelines (Richards et al. 2015 PMID: 25741868, with internal and published modifications).

NM_017802.4(DNAAF5):c.2523C>T (p.Cys841=)

Gene: DNAAF5 (dynein axonemal assembly factor 5; plus strand). Cytogenetic location: 7p22.3.
Variant type: single nucleotide variant.
Coding change: c.2523C>T on transcript NM_017802.4 (MANE Select); coding-DNA position 2523, C replaced by T.
Protein change: p.Cys841=; no amino-acid change (cysteine 841 retained).
Molecular consequence: synonymous variant. On other transcripts: non-coding transcript variant (1).
Genome position (GRCh38, 1-based): chr7:785,608, C>T. VCF-style: chr7-785608-C-T. GRCh37 (hg19) VCF-style: chr7-825245-C-T.
Identifiers: ClinVar variation 1435774 (VCV001435774.9), dbSNP rs370588837, ClinGen allele CA4111235.